The following is an entry in ClinVar:

NM_001352913.2(PPP2R5C):c.259+32789A>G

Gene: PPP2R5C (protein phosphatase 2 regulatory subunit B'gamma; plus strand). Cytogenetic location: 14q32.31.
Variant type: single nucleotide variant.
Coding change: c.259+32789A>G on transcript NM_001352913.2 (MANE Select); 32789 bases into the intron after coding-DNA position 259, A replaced by G.
Molecular consequence: intron variant.
Genome position (GRCh38, 1-based): chr14:101,818,972, A>G. VCF-style: chr14-101818972-A-G. GRCh37 (hg19) VCF-style: chr14-102285309-A-G.
Other names: c.274+32789A>G (NM_001352914.2); c.259+32789A>G (NM_001161726.2); c.94-20A>G (NM_001161725.2); c.-131-37714A>G (NM_001352915.2); c.94+8936A>G (NM_001352912.1, NM_002719.4, NM_178586.3 and 1 more transcripts); c.-236+8936A>G (NM_001352916.2).
Identifiers: ClinVar variation 2020704 (VCV002020704.4), dbSNP rs2548918649, ClinGen allele CA2580088369.

ClinVar aggregate classification (germline): Uncertain significance (1 of 4 stars; one submission).

Submission:

Labcorp Genetics (formerly Invitae), Labcorp
Classification: Uncertain significance. Last evaluated: 2022-07-30. Review status: criteria provided, single submitter. Criteria: Invitae Variant Classification Sherloc (09022015). Collection method: clinical testing. Allele origin: germline.
Comment: This sequence change falls in intron 2 of the PPP2R5C gene. It does not directly change the encoded amino acid sequence of the PPP2R5C protein. This variant is not present in population databases (gnomAD no frequency). This variant has not been reported in the literature in individuals affected with PPP2R5C-related conditions. Algorithms developed to predict the effect of sequence changes on RNA splicing suggest that this variant may disrupt the consensus splice site. In summary, the available evidence is currently insufficient to determine the role of this variant in disease. Therefore, it has been classified as a Variant of Uncertain Significance.